The following is an entry in ClinVar:

NM_005045.4(RELN):c.6617A>G (p.Asn2206Ser)

Gene: RELN (reelin; minus strand). Cytogenetic location: 7q22.1.
Variant type: single nucleotide variant.
Coding change: c.6617A>G on transcript NM_005045.4 (MANE Select); coding-DNA position 6617, A replaced by G.
Protein change: p.Asn2206Ser; replaces asparagine 2206 with serine.
Molecular consequence: missense variant.
Genome position (GRCh38, 1-based): chr7:103,542,785, T>C on the plus strand (A>G on the coding strand, the complement: RELN is on the minus strand). VCF-style: chr7-103542785-T-C. GRCh37 (hg19) VCF-style: chr7-103183232-T-C.
Other names: c.6617A>G, p.Asn2206Ser (NM_173054.3); short protein forms N2206S.
Identifiers: ClinVar variation 1001058 (VCV001001058.11), dbSNP rs1830201721, ClinGen allele CA368770339.

ClinVar aggregate classification (germline): Uncertain significance. Review status: criteria provided, multiple submitters, no conflicts (2 of 4 stars). 2 submissions from 2 submitters: Uncertain significance (2). Last evaluated 2024-10-16.

Conditions:
Familial temporal lobe epilepsy 7. Identifiers: Orphanet 101046, MedGen C4225327, MONDO:0014639, OMIM 616436.
Norman-Roberts syndrome (LIS2). Also called: Lissencephaly 2 (Norman-Roberts type). Identifiers: Orphanet 89844, MedGen C0796089, MONDO:0009760, OMIM 257320.

Allele frequency attached by ClinVar (database versions not stated): gnomAD exomes below 0.00001.
gnomAD v4.1: 1 of 1,614,162 alleles (0.000062%); highest among the groups gnomAD compares: Non-Finnish European, 0.000085%; no homozygotes.

Submissions (2):

Labcorp Genetics (formerly Invitae), Labcorp
Classification: Uncertain significance for Familial temporal lobe epilepsy 7; Norman-Roberts syndrome. Last evaluated: 2024-10-16. Review status: criteria provided, single submitter. Criteria: Invitae Variant Classification Sherloc (09022015). Collection method: clinical testing. Allele origin: germline.
Comment: This sequence change replaces asparagine, which is neutral and polar, with serine, which is neutral and polar, at codon 2206 of the RELN protein (p.Asn2206Ser). This variant is not present in population databases (gnomAD no frequency). This variant has not been reported in the literature in individuals affected with RELN-related conditions. ClinVar contains an entry for this variant (Variation ID: 1001058). Invitae Evidence Modeling of protein sequence and biophysical properties (such as structural, functional, and spatial information, amino acid conservation, physicochemical variation, residue mobility, and thermodynamic stability) indicates that this missense variant is not expected to disrupt RELN protein function with a negative predictive value of 80%. In summary, the available evidence is currently insufficient to determine the role of this variant in disease. Therefore, it has been classified as a Variant of Uncertain Significance.

Blueprint Genetics
Classification: Uncertain significance. Last evaluated: 2021-10-26. Review status: criteria provided, single submitter. Criteria: ACMG Guidelines, 2015. Collection method: clinical testing. Allele origin: germline.